The following is an entry in ClinVar:

ClinVar aggregate classification (germline): Conflicting classifications of pathogenicity. Review status: criteria provided, conflicting classifications (1 of 4 stars). 5 submissions from 5 submitters: Uncertain significance (3); Benign (1); Likely benign (1). Last evaluated 2025-09-13.

Conditions:
Fanconi renotubular syndrome 2 (FRTS2). Identifiers: MedGen C3150652, MONDO:0013247, OMIM 613388.
Hypophosphatemic nephrolithiasis/osteoporosis 1. Identifiers: Orphanet 244305, MedGen C2676786, MONDO:0012850, OMIM 612286.

Allele frequency attached by ClinVar (database versions not stated): gnomAD 0.00016 and 0.00019; TOPMed 0.00019; gnomAD exomes 0.00028; ExAC 0.00030; 1000 Genomes Project 30x 0.00062; 1000 Genomes Project 0.00080.
gnomAD v4.1: 286 of 1,614,116 alleles (0.018%); highest among the groups gnomAD compares: East Asian, 0.25%; no homozygotes.

Submissions (5):

Labcorp Genetics (formerly Invitae), Labcorp
Classification: Likely benign. Last evaluated: 2025-09-13. Review status: criteria provided, single submitter. Criteria: Invitae Variant Classification Sherloc (09022015). Collection method: clinical testing. Allele origin: germline.

Revvity Omics, Revvity
Classification: Uncertain significance. Last evaluated: 2022-11-10. Review status: criteria provided, single submitter. Criteria: ACMG Guidelines, 2015. Collection method: clinical testing. Allele origin: germline.

3billion
Classification: Uncertain significance for Fanconi renotubular syndrome 2. Last evaluated: 2022-01-03. Review status: criteria provided, single submitter. Criteria: ACMG Guidelines, 2015. Collection method: clinical testing. Allele origin: germline. Affected: yes. Observed: 1 heterozygote.
Comment: Same nucleotide change resulting in same amino acid change has been previously reported to be associated with SLC34A1 related disorder (PMID:26787776, PS1_P). It is observed at an extremely low frequency in the gnomAD v2.1.1 dataset (total allele frequency: 0.000273, PM2_M). In silico tool predictions suggest damaging effect of the variant on gene or gene product (REVEL: 0.955, 3CNET: 0.906, PP3_P). Therefore, this variant is classified as uncertain significance according to the recommendation of ACMG/AMP guideline.

Illumina Laboratory Services, Illumina
Classification: Benign for Hypophosphatemic nephrolithiasis/osteoporosis 1. Last evaluated: 2018-01-12. Review status: criteria provided, single submitter. Criteria: ICSL Variant Classification Criteria 13 December 2019. Collection method: clinical testing. Allele origin: germline.
Comment: This variant was observed in the ICSL laboratory as part of a predisposition screen in an ostensibly healthy population. It had not been previously curated by ICSL or reported in the Human Gene Mutation Database (HGMD: prior to June 1st, 2018), and was therefore a candidate for classification through an automated scoring system. Utilizing variant allele frequency, disease prevalence and penetrance estimates, and inheritance mode, an automated score was calculated to assess if this variant is too frequent to cause the disease. Based on the score and internal cut-off values, a variant classified as benign is not then subjected to further curation. The score for this variant resulted in a classification of benign for this disease.

GeneDx
Classification: Uncertain significance. Last evaluated: 2016-11-30. Review status: criteria provided, single submitter. Criteria: GeneDx Variant Classification (06012015). Collection method: clinical testing. Allele origin: germline. Affected: yes.
Comment: The G450S variant in the SLC34A1 gene has been reported previously in one individual with nephrolithiasis, however no second variant identified and familial segregation information was not included (Braun et al., 2016). This variant is observed in 31/8618 (0.36%) alleles from individuals of East Asian background in the ExAC dataset, and no individuals were reported to be homozygous (Lek et al., 2016). The G450S variant is a non-conservative amino acid substitution, which is likely to impact secondary protein structure as these residues differ in polarity, charge, size and/or other properties. This substitution occurs at a position that is conserved across species. In silico analysis predicts this variant is probably damaging to the protein structure/function. We interpret G450S as a variant of uncertain significance.

Literature cited by the submitters: PubMed 26787776 (cited by 3billion).

NM_003052.5(SLC34A1):c.1348G>A (p.Gly450Ser)

Gene: SLC34A1 (solute carrier family 34 member 1; plus strand). Cytogenetic location: 5q35.3.
Variant type: single nucleotide variant.
Coding change: c.1348G>A on transcript NM_003052.5 (MANE Select); coding-DNA position 1348, G replaced by A.
Protein change: p.Gly450Ser; replaces glycine 450 with serine.
Molecular consequence: missense variant.
Genome position (GRCh38, 1-based): chr5:177,397,006, G>A. VCF-style: chr5-177397006-G-A. GRCh37 (hg19) VCF-style: chr5-176824007-G-A.
Other names: short protein forms G450S.
Identifiers: ClinVar variation 352970 (VCV000352970.16), dbSNP rs34044544, ClinGen allele CA3580760.